The following is an entry in ClinVar:

ClinVar aggregate classification (germline): Benign. Review status: criteria provided, multiple submitters, no conflicts (2 of 4 stars). 2 submissions from 2 submitters: Benign (2). Last evaluated 2018-01-12.

Conditions:
Cleft lip/palate-ectodermal dysplasia syndrome (CLPED1). Also called: ECTODERMAL DYSPLASIA, CLEFT LIP AND PALATE, MENTAL RETARDATION, AND SYNDACTYLY; ECTODERMAL DYSPLASIA, MARGARITA ISLAND TYPE; ECTODERMAL DYSPLASIA, TYPE 4; ZLOTOGORA-OGUR SYNDROME; Zlotogora syndrome. Identifiers: Orphanet 3253, MedGen C2931488, MONDO:0009151, OMIM 225060.

Allele frequency attached by ClinVar (database versions not stated): gnomAD exomes 0.01150; gnomAD 0.12997 and 0.13736; TOPMed 0.14772; 1000 Genomes Project 0.16414; 1000 Genomes Project 30x 0.17224.
gnomAD v4.1: 29,726 of 985,734 alleles (3%); highest among the groups gnomAD compares: African/African-American, 44%; 5,691 homozygotes.

Submissions (2):

Illumina Laboratory Services, Illumina
Classification: Benign for Cleft lip/palate-ectodermal dysplasia syndrome. Last evaluated: 2018-01-12. Review status: criteria provided, single submitter. Criteria: ICSL Variant Classification Criteria 13 December 2019. Collection method: clinical testing. Allele origin: germline.
Comment: This variant was observed in the ICSL laboratory as part of a predisposition screen in an ostensibly healthy population. It had not been previously curated by ICSL or reported in the Human Gene Mutation Database (HGMD: prior to June 1st, 2018), and was therefore a candidate for classification through an automated scoring system. Utilizing variant allele frequency, disease prevalence and penetrance estimates, and inheritance mode, an automated score was calculated to assess if this variant is too frequent to cause the disease. Based on the score and internal cut-off values, a variant classified as benign is not then subjected to further curation. The score for this variant resulted in a classification of benign for this disease.

Breakthrough Genomics
Classification: Benign. Review status: criteria provided, single submitter. Criteria: ACMG Guidelines, 2015. Collection method: not provided. Allele origin: germline. Inheritance: Autosomal recessive inheritance. Affected: yes.

NM_002855.5(NECTIN1):c.*3301T>C

Gene: NECTIN1 (nectin cell adhesion molecule 1; minus strand). Cytogenetic location: 11q23.3.
Variant type: single nucleotide variant.
Coding change: c.*3301T>C on transcript NM_002855.5 (MANE Select); 3301 bases downstream of the stop codon, T replaced by C.
Molecular consequence: 3 prime UTR variant. On other transcripts: intron variant (1).
Genome position (GRCh38, 1-based): chr11:119,661,446, A>G on the plus strand (T>C on the coding strand, the complement: NECTIN1 is on the minus strand). VCF-style: chr11-119661446-A-G. GRCh37 (hg19) VCF-style: chr11-119532156-A-G.
Other names: c.1003+13713T>C (NM_203285.2).
Identifiers: ClinVar variation 878876 (VCV000878876.6), dbSNP rs11217380, ClinGen allele CA16430747.